The following is an entry in ClinVar:

NM_001318852.2(MAPK8IP3):c.2240G>A (p.Gly747Asp)

Gene: MAPK8IP3 (mitogen-activated protein kinase 8 interacting protein 3; plus strand). Cytogenetic location: 16p13.3.
Variant type: single nucleotide variant.
Coding change: c.2240G>A on transcript NM_001318852.2 (MANE Select); coding-DNA position 2240, G replaced by A.
Protein change: p.Gly747Asp; replaces glycine 747 with aspartic acid.
Molecular consequence: missense variant.
Genome position (GRCh38, 1-based): chr16:1,764,419, G>A. VCF-style: chr16-1764419-G-A. GRCh37 (hg19) VCF-style: chr16-1814420-G-A.
Other names: c.2219G>A, p.Gly740Asp (NM_001040439.2); c.2237G>A, p.Gly746Asp (NM_015133.5, NM_033392.3); short protein forms G740D, G746D, G747D.
Identifiers: ClinVar variation 2505211 (VCV002505211.1), dbSNP rs1287465278, ClinGen allele CA394233952.
Genomic context (GRCh38, chr16:1,764,419, plus strand): 5'-GGAATGGAGTCAAGCCAGCGCCAGGCCGCGATCCCCTGACCTGCGACCGCGAAGGAGACG[G>A]CGAGCCCAAGAGCGCCCACACGTCTCCCGAGAAGAAGAAGGTGAGCATGGCCGAGGCCAC-3'
Protein context (NP_001305781.1, residues 737-757): DPLTCDREGD[Gly747Asp]EPKSAHTSPE

ClinVar aggregate classification (germline): Uncertain significance (1 of 4 stars; one submission).

Allele frequency attached by ClinVar (database versions not stated): gnomAD exomes below 0.00001; gnomAD 0.00001; TOPMed 0.00001.
gnomAD v4.1: 4 of 1,606,388 alleles (0.00025%); highest among the groups gnomAD compares: African/African-American, 0.0013%; no homozygotes.

Submission:

Greenwood Genetic Center Diagnostic Laboratories, Greenwood Genetic Center
Classification: Uncertain significance. Last evaluated: 2023-03-20. Review status: criteria provided, single submitter. Criteria: ACMG Guidelines, 2015. Collection method: clinical testing. Allele origin: germline. Affected: yes.
Comment: PM2, BP4